The following is an entry in ClinVar:

ClinVar aggregate classification (germline): Uncertain significance (1 of 4 stars; one submission).

Submission:

Women's Health and Genetics/Laboratory Corporation of America, LabCorp
Classification: Uncertain significance. Last evaluated: 2025-12-29. Review status: criteria provided, single submitter. Criteria: LabCorp Variant Classification Summary - May 2015. Collection method: clinical testing. Allele origin: germline.
Comment: Variant summary: SH3TC2 c.3204G>C (p.Gln1068His) results in a non-conservative amino acid change in the encoded protein sequence. Algorithms developed to predict the effect of missense changes on protein structure and function are either unavailable or do not agree on the potential impact of this missense change. Several computational tools predict a significant impact on normal splicing: Four predict the variant weakens a canonical 5' donor site. However, these predictions have yet to be confirmed by functional studies. The variant was absent in 251278 control chromosomes (gnomAD). The available data on variant occurrences in the general population are insufficient to allow any conclusion about variant significance. To our knowledge, no occurrence of c.3204G>C in individuals affected with SH3TC2-related conditions and no experimental evidence demonstrating its impact on protein function have been reported. No submitters have cited clinical-significance assessments for this variant to ClinVar. Based on the evidence outlined above, the variant was classified as uncertain significance.

NM_024577.4(SH3TC2):c.3204G>C (p.Gln1068His)

Gene: SH3TC2 (SH3 domain and tetratricopeptide repeats 2; minus strand). Cytogenetic location: 5q32.
Variant type: single nucleotide variant.
Coding change: c.3204G>C on transcript NM_024577.4 (MANE Select); coding-DNA position 3204, G replaced by C.
Protein change: p.Gln1068His; replaces glutamine 1068 with histidine.
Molecular consequence: missense variant.
Genome position (GRCh38, 1-based): chr5:149,012,584, C>G on the plus strand (G>C on the coding strand, the complement: SH3TC2 is on the minus strand). VCF-style: chr5-149012584-C-G. GRCh37 (hg19) VCF-style: chr5-148392147-C-G.
Other names: short protein forms Q1068H.
Identifiers: ClinVar variation 4688740 (VCV004688740.1).